The following is an entry in ClinVar:

ClinVar aggregate classification (germline): Likely benign (1 of 4 stars; one submission).

Submission:

Laboratory for Molecular Medicine, Mass General Brigham Personalized Medicine
Classification: Likely benign. Last evaluated: 2019-07-09. Review status: criteria provided, single submitter. Criteria: LMM Criteria. Collection method: clinical testing. Allele origin: germline. Observed: 1 variant allele.
Comment: The m.1117A>G variant in MTRNR1 is classified as likely benign because it has been identified at frequency of 1.3% (29/2176) across all haplogroups in MitoMap, including 20.41% (10/49) of the R22 haplogroup.

NC_012920.1(MT-RNR1):m.1117A>G

Gene: MT-RNR1 (mitochondrially encoded 12S RNA; plus strand).
Variant type: single nucleotide variant.
Genome position: chrM-1117-A-G.
Identifiers: ClinVar variation 929973 (VCV000929973.4), dbSNP rs2068677687, ClinGen allele CA913161310.
Genomic context (GRCh38, chrMT:1,117, plus strand): 5'-GCTAAGACCCAAACTGGGATTAGATACCCCACTATGCTTAGCCCTAAACCTCAACAGTTA[A>G]ATCAACAAAACTGCTCGCCAGAACACTACGAGCCACAGCTTAAAACTCAAAGGACCTGGC-3'